The following is an entry in ClinVar:

ClinVar aggregate classification (germline): Uncertain significance. Review status: criteria provided, single submitter (1 of 4 stars). 2 submissions from 2 submitters: Uncertain significance (1). 1 of the submissions does not count toward it. Last evaluated 2025-08-24.

Conditions:
Polycystic kidney disease 3 with or without polycystic liver disease. Also called: Polycystic kidney disease 3; POLYCYSTIC KIDNEY DISEASE, ADULT, TYPE III; Polycystic Kidney and/or Polycystic Liver Disease 3. Identifiers: MedGen C3887964, MONDO:0010916, OMIM 600666.

gnomAD v4.1: 11 of 1,613,664 alleles (0.00068%); highest among the groups gnomAD compares: South Asian, 0.0099%; no homozygotes.

Submissions (2):

Labcorp Genetics (formerly Invitae), Labcorp
Classification: Uncertain significance. Last evaluated: 2025-08-24. Review status: criteria provided, single submitter. Criteria: Invitae Variant Classification Sherloc (09022015). Collection method: clinical testing. Allele origin: germline.
Comment: This sequence change replaces leucine, which is neutral and non-polar, with serine, which is neutral and polar, at codon 63 of the GANAB protein (p.Leu63Ser). This variant is present in population databases (rs767382805, gnomAD 0.006%). This variant has not been reported in the literature in individuals affected with GANAB-related conditions. Invitae Evidence Modeling of protein sequence and biophysical properties (such as structural, functional, and spatial information, amino acid conservation, physicochemical variation, residue mobility, and thermodynamic stability) indicates that this missense variant is not expected to disrupt GANAB protein function with a negative predictive value of 95%. In summary, the available evidence is currently insufficient to determine the role of this variant in disease. Therefore, it has been classified as a Variant of Uncertain Significance.

Genetics laboratory, Institute of Kidney Diseases & Research Centre Dr. H.L. Trivedi Institute Of Transplantation Sciences
Classification: Uncertain significance for Polycystic kidney disease 3 with or without polycystic liver disease. Review status: no assertion criteria provided. Collection method: clinical testing. Allele origin: germline. Inheritance: Autosomal dominant inheritance. Affected: yes. Observed: 1 variant allele, 1 heterozygote. Not counted in ClinVar's aggregate classification.

NM_198334.3(GANAB):c.188T>C (p.Leu63Ser)

Gene: GANAB (glucosidase II alpha subunit; minus strand). Cytogenetic location: 11q12.3.
Variant type: single nucleotide variant.
Coding change: c.188T>C on transcript NM_198334.3 (MANE Select); coding-DNA position 188, T replaced by C.
Protein change: p.Leu63Ser; replaces leucine 63 with serine.
Molecular consequence: missense variant. On other transcripts: 5 prime UTR variant (4), intron variant (3).
Genome position (GRCh38, 1-based): chr11:62,639,423, A>G on the plus strand (T>C on the coding strand, the complement: GANAB is on the minus strand). VCF-style: chr11-62639423-A-G. GRCh37 (hg19) VCF-style: chr11-62406895-A-G.
Other names: c.-104T>C (NM_001329222.2, NM_001329223.2); c.-589T>C (NM_001329224.2, NM_001329225.2); c.188T>C, p.Leu63Ser (NM_198335.4); c.39-4423T>C (NM_001278193.2, NM_001278192.2); c.-40+204T>C (NM_001278194.2); short protein forms L63S.
Identifiers: ClinVar variation 4072415 (VCV004072415.2).
Genomic context (GRCh38, chr11:62,639,423, plus strand): 5'-GTGACCTCATGGATCAGATGGACCGTGAGGGAATCAGGACCAAGCTGTAGAGAGTCCAGC[A>G]AGGCTCGGTATGGAGAGAGGCCTGGCCGTATGCTTCTCTGTCGCCTGCCAAGTGAAGGGT-3'
Protein context (NP_938148.1, residues 53-73): IRPGLSPYRA[Leu63Ser]LDSLQLGPDS